The following is an entry in ClinVar:

ClinVar aggregate classification (germline): Uncertain significance (1 of 4 stars; one submission).

Conditions:
Hereditary cancer-predisposing syndrome. Also called: Tumor predisposition; Hereditary Cancer Syndrome; Hereditary neoplastic syndrome; Neoplastic Syndromes, Hereditary. Identifiers: Orphanet 140162, MedGen C0027672, MeSH D009386, MONDO:0015356.

Submission:

Ambry Genetics
Classification: Uncertain significance for Hereditary cancer-predisposing syndrome. Last evaluated: 2023-08-11. Review status: criteria provided, single submitter. Criteria: Ambry Variant Classification Scheme 2023. Collection method: clinical testing. Allele origin: germline.
Comment: The p.G37V variant (also known as c.110G>T), located in coding exon 1 of the TMEM127 gene, results from a G to T substitution at nucleotide position 110. The glycine at codon 37 is replaced by valine, an amino acid with dissimilar properties. This amino acid position is conserved. In addition, this alteration is predicted to be deleterious by in silico analysis. Since supporting evidence is limited at this time, the clinical significance of this alteration remains unclear.

NM_017849.4(TMEM127):c.110G>T (p.Gly37Val)

Genes: TMEM127 (transmembrane protein 127; minus strand), LOC129934333 (ATAC-STARR-seq lymphoblastoid silent region 11759; plus strand). Cytogenetic location: 2q11.2.
Variant type: single nucleotide variant.
Coding change: c.110G>T on transcript NM_017849.4 (MANE Select); coding-DNA position 110, G replaced by T.
Protein change: p.Gly37Val; replaces glycine 37 with valine.
Molecular consequence: missense variant. On other transcripts: intron variant (1).
Genome position (GRCh38, 1-based): chr2:96,265,272, C>A on the plus strand (G>T on the coding strand, the complement: TMEM127 is on the minus strand). VCF-style: chr2-96265272-C-A. GRCh37 (hg19) VCF-style: chr2-96931010-C-A.
Other names: c.110G>T, p.Gly37Val (NM_001193304.3); c.-9+597G>T (NM_001407283.1); short protein forms G37V.
Identifiers: ClinVar variation 2625509 (VCV002625509.2), dbSNP rs1684393209, ClinGen allele CA347656095.